The following is an entry in ClinVar:

ClinVar aggregate classification (germline): Uncertain significance (1 of 4 stars; one submission).

gnomAD v4.1: 2 of 1,203,231 alleles (0.00017%); highest among the groups gnomAD compares: Admixed American, 0.0022%; no homozygotes.

Submission:

GeneDx
Classification: Uncertain significance. Last evaluated: 2024-01-19. Review status: criteria provided, single submitter. Criteria: GeneDx Variant Classification Process June 2021. Collection method: clinical testing. Allele origin: germline. Affected: yes.
Comment: Not observed at significant frequency in large population cohorts (gnomAD); In silico analysis supports that this missense variant does not alter protein structure/function; Has not been previously published as pathogenic or benign to our knowledge

NM_001330574.2(ZNF711):c.695A>G (p.Glu232Gly)

Gene: ZNF711 (zinc finger protein 711; plus strand). Cytogenetic location: Xq21.1.
Variant type: single nucleotide variant.
Coding change: c.695A>G on transcript NM_001330574.2 (MANE Select); coding-DNA position 695, A replaced by G.
Protein change: p.Glu232Gly; replaces glutamic acid 232 with glycine.
Molecular consequence: missense variant.
Genome position (GRCh38, 1-based): chrX:85,264,347, A>G. VCF-style: chrX-85264347-A-G. GRCh37 (hg19) VCF-style: chrX-84519353-A-G.
Other names: c.695A>G, p.Glu232Gly (NM_001375431.1, NM_001375432.1, NM_001375433.1 and 5 more transcripts); short protein forms E232G.
Identifiers: ClinVar variation 1302101 (VCV001302101.3), dbSNP rs2147853925, ClinGen allele CA413779256.